The following is an entry in ClinVar:

NM_016239.4(MYO15A):c.6488_6494del (p.Cys2163fs)

Gene: MYO15A (myosin XVA; plus strand). Cytogenetic location: 17p11.2.
Variant type: Deletion.
Coding change: c.6488_6494del on transcript NM_016239.4 (MANE Select); coding-DNA positions 6488 to 6494, 7 bases deleted (GCTTCAA; older notation c.6488_6494delGCTTCAA).
Protein change: p.Cys2163fs; shifts the reading frame from cysteine 2163.
Molecular consequence: frameshift variant.
Genome position (GRCh38, 1-based): chr17:18,146,086-18,146,092, GCTTCAA deleted. VCF-style (leftmost placement, unchanged base first): chr17-18146085-TGCTTCAA-T. GRCh37 (hg19) VCF-style: chr17-18049399-TGCTTCAA-T.
Other names: short protein forms C2163fs.
Identifiers: ClinVar variation 3601371 (VCV003601371.1).

ClinVar aggregate classification (germline): Pathogenic (1 of 4 stars; one submission).

Conditions:
Autosomal recessive nonsyndromic hearing loss 3. Also called: NEUROSENSORY NONSYNDROMIC RECESSIVE DEAFNESS 3. Identifiers: Orphanet 90636, MedGen C1838263, MONDO:0010860, OMIM 600316.

Submission:

Institute of Rare Diseases, West China Hospital, Sichuan University
Classification: Pathogenic for Autosomal recessive nonsyndromic hearing loss 3. Last evaluated: 2025-01-09. Review status: criteria provided, single submitter. Criteria: ClinGen HL ACMG Specifications v1. Collection method: research. Allele origin: germline. Affected: yes.
Comment: PVS1;PM3;PM2_Supporting